The following is an entry in ClinVar:

NM_005051.3(QARS1):c.264C>A (p.Ser88Arg)

Gene: QARS1 (glutaminyl-tRNA synthetase 1; minus strand). Cytogenetic location: 3p21.31.
Variant type: single nucleotide variant.
Coding change: c.264C>A on transcript NM_005051.3 (MANE Select); coding-DNA position 264, C replaced by A.
Protein change: p.Ser88Arg; replaces serine 88 with arginine.
Molecular consequence: missense variant. On other transcripts: intron variant (1).
Genome position (GRCh38, 1-based): chr3:49,104,325, G>T on the plus strand (C>A on the coding strand, the complement: QARS1 is on the minus strand). VCF-style: chr3-49104325-G-T. GRCh37 (hg19) VCF-style: chr3-49141758-G-T.
Other names: c.232+32C>A (NM_001272073.2); short protein forms S88R.
Identifiers: ClinVar variation 1003021 (VCV001003021.5), dbSNP rs1483058377, ClinGen allele CA352722295.

ClinVar aggregate classification (germline): Uncertain significance (1 of 4 stars; one submission).

Conditions:
Diffuse cerebral and cerebellar atrophy - intractable seizures - progressive microcephaly syndrome. Also called: Microcephaly, progressive, with seizures and cerebral and cerebellar atrophy. Identifiers: Orphanet 404437, MedGen C4014239, MONDO:0014335, OMIM 615760.

Allele frequency attached by ClinVar (database versions not stated): gnomAD exomes below 0.00001.
gnomAD v4.1: 1 of 1,614,062 alleles (0.000062%); highest among the groups gnomAD compares: South Asian, 0.0011%; no homozygotes.

Submission:

Labcorp Genetics (formerly Invitae), Labcorp
Classification: Uncertain significance for Diffuse cerebral and cerebellar atrophy - intractable seizures - progressive microcephaly syndrome. Last evaluated: 2021-10-07. Review status: criteria provided, single submitter. Criteria: Invitae Variant Classification Sherloc (09022015). Collection method: clinical testing. Allele origin: germline.
Comment: This variant is not present in population databases (ExAC no frequency). This sequence change replaces serine with arginine at codon 88 of the QARS protein (p.Ser88Arg). The serine residue is moderately conserved and there is a moderate physicochemical difference between serine and arginine. This variant has not been reported in the literature in individuals affected with QARS-related conditions. In summary, the available evidence is currently insufficient to determine the role of this variant in disease. Therefore, it has been classified as a Variant of Uncertain Significance. Algorithms developed to predict the effect of missense changes on protein structure and function (SIFT, PolyPhen-2, Align-GVGD) all suggest that this variant is likely to be tolerated.